The following is an entry in ClinVar:

NM_020458.4(TTC7A):c.433G>T (p.Ala145Ser)

Gene: TTC7A (tetratricopeptide repeat domain 7A; plus strand). Cytogenetic location: 2p21.
Variant type: single nucleotide variant.
Coding change: c.433G>T on transcript NM_020458.4 (MANE Select); coding-DNA position 433, G replaced by T.
Protein change: p.Ala145Ser; replaces alanine 145 with serine.
Molecular consequence: missense variant. On other transcripts: 5 prime UTR variant (1).
Genome position (GRCh38, 1-based): chr2:46,956,923, G>T. VCF-style: chr2-46956923-G-T. GRCh37 (hg19) VCF-style: chr2-47184062-G-T.
Other names: c.433G>T, p.Ala145Ser (NM_001288951.2); c.331G>T, p.Ala111Ser (NM_001288953.2); c.-472G>T (NM_001288955.2); short protein forms A111S, A145S.
Identifiers: ClinVar variation 1055896 (VCV001055896.4), dbSNP rs201163893, ClinGen allele CA346718727.

ClinVar aggregate classification (germline): Uncertain significance (1 of 4 stars; one submission).

Conditions:
Multiple gastrointestinal atresias. Also called: FAMILIAL INTESTINAL POLYATRESIA SYNDROME; Multiple intestinal atresia. Identifiers: Orphanet 2300, MedGen C0220744, MONDO:0009465.

gnomAD v4.1: 3 of 1,614,194 alleles (0.00019%); highest among the groups gnomAD compares: East Asian, 0.0022%; no homozygotes.

Submission:

Labcorp Genetics (formerly Invitae), Labcorp
Classification: Uncertain significance for Multiple gastrointestinal atresias. Last evaluated: 2022-08-15. Review status: criteria provided, single submitter. Criteria: Invitae Variant Classification Sherloc (09022015). Collection method: clinical testing. Allele origin: germline.
Comment: This sequence change replaces alanine, which is neutral and non-polar, with serine, which is neutral and polar, at codon 145 of the TTC7A protein (p.Ala145Ser). This variant is present in population databases (no rsID available, gnomAD 0.006%). This variant has not been reported in the literature in individuals affected with TTC7A-related conditions. ClinVar contains an entry for this variant (Variation ID: 1055896). Algorithms developed to predict the effect of missense changes on protein structure and function (SIFT, PolyPhen-2, Align-GVGD) all suggest that this variant is likely to be tolerated. In summary, the available evidence is currently insufficient to determine the role of this variant in disease. Therefore, it has been classified as a Variant of Uncertain Significance.